The following is an entry in ClinVar:

NM_080916.3(DGUOK):c.65C>T (p.Pro22Leu)

Genes: DGUOK (deoxyguanosine kinase; plus strand), LOC129934096 (ATAC-STARR-seq lymphoblastoid active region 16036; plus strand). Cytogenetic location: 2p13.1.
Variant type: single nucleotide variant.
Coding change: c.65C>T on transcript NM_080916.3 (MANE Select); coding-DNA position 65, C replaced by T.
Protein change: p.Pro22Leu; replaces proline 22 with leucine.
Molecular consequence: missense variant. On other transcripts: 5 prime UTR variant (4), non-coding transcript variant (6).
Genome position (GRCh38, 1-based): chr2:73,926,975, C>T. VCF-style: chr2-73926975-C-T. GRCh37 (hg19) VCF-style: chr2-74154102-C-T.
Other names: c.65C>T, p.Pro22Leu (NM_001318859.2, NM_080918.3); c.-114C>T (NM_001318860.2, NM_001318863.2); c.-200C>T (NM_001318861.2, NM_001318862.2); short protein forms P22L.
Identifiers: ClinVar variation 523554 (VCV000523554.6), dbSNP rs757962437, ClinGen allele CA1718134.

ClinVar aggregate classification (germline): Uncertain significance. Review status: criteria provided, multiple submitters, no conflicts (2 of 4 stars). 3 submissions from 2 submitters: Uncertain significance (3). Last evaluated 2022-06-28.

Conditions:
Mitochondrial DNA depletion syndrome 3 (hepatocerebral type). Also called: Deoxyguanosine Kinase Deficiency; MITOCHONDRIAL DNA DEPLETION SYNDROME 3; Mitochondrial DNA depletion syndrome, hepatocerebral form due to DGUOK deficiency. Identifiers: Orphanet 279934, MedGen CN074093, MONDO:0009636, OMIM 251880.
Increased circulating pyruvate concentration. Also called: Increased serum pyruvate. Identifiers: MedGen C1849488, HP:0003542.
Cognitive impairment. Also called: cognitive deficit. Identifiers: MedGen C0338656, HP:0100543.
Migraine with aura. Identifiers: MedGen C0154723, MONDO:0005475, HP:0002077.
Increased CSF lactate. Identifiers: MedGen C1167918, HP:0002490.
Hypoplasia of the corpus callosum. Also called: Corpus callosum hypoplasia. Identifiers: MedGen C0344482, HP:0002079.
Memory impairment. Identifiers: MedGen C0233794, HP:0002354.
Cerebral atrophy. Identifiers: MedGen C0235946, HP:0002059.

Allele frequency attached by ClinVar (database versions not stated): gnomAD exomes below 0.00001; TOPMed below 0.00001; ExAC 0.00001.
gnomAD v4.1: 3 of 1,612,924 alleles (0.00019%); highest among the groups gnomAD compares: Non-Finnish European, 0.00025%; no homozygotes.

Submissions (3):

Labcorp Genetics (formerly Invitae), Labcorp
Classification: Uncertain significance. Last evaluated: 2022-06-28. Review status: criteria provided, single submitter. Criteria: Invitae Variant Classification Sherloc (09022015). Collection method: clinical testing. Allele origin: germline.
Comment: This sequence change replaces proline, which is neutral and non-polar, with leucine, which is neutral and non-polar, at codon 22 of the DGUOK protein (p.Pro22Leu). This variant is present in population databases (rs757962437, gnomAD 0.0009%). This variant has not been reported in the literature in individuals affected with DGUOK-related conditions. ClinVar contains an entry for this variant (Variation ID: 523554). Algorithms developed to predict the effect of missense changes on protein structure and function output the following: SIFT: "Tolerated"; PolyPhen-2: "Benign"; Align-GVGD: "Class C0". The leucine amino acid residue is found in multiple mammalian species, which suggests that this missense change does not adversely affect protein function. In summary, the available evidence is currently insufficient to determine the role of this variant in disease. Therefore, it has been classified as a Variant of Uncertain Significance.

Centre for Mendelian Genomics, University Medical Centre Ljubljana
Classification: Uncertain significance for Cerebral atrophy; Cognitive impairment; Hypoplasia of the corpus callosum; Increased CSF lactate; Increased circulating pyruvate concentration; Memory impairment; Migraine with aura. Last evaluated: 2017-01-01. Review status: criteria provided, single submitter. Criteria: ACMG Guidelines, 2015. Collection method: clinical testing. Allele origin: unknown. Affected: yes.

Centre for Mendelian Genomics, University Medical Centre Ljubljana
Classification: Uncertain significance for Mitochondrial DNA depletion syndrome 3 (hepatocerebral type). Last evaluated: 2016-01-01. Review status: criteria provided, single submitter. Criteria: ACMG Guidelines, 2015. Collection method: clinical testing. Allele origin: unknown. Affected: yes.
Comment: This variant was classified as: Uncertain significance.